The following is an entry in ClinVar:

ClinVar aggregate classification (germline): Uncertain significance (1 of 4 stars; one submission).

Submission:

Labcorp Genetics (formerly Invitae), Labcorp
Classification: Uncertain significance. Last evaluated: 2025-10-08. Review status: criteria provided, single submitter. Criteria: Invitae Variant Classification Sherloc (09022015). Collection method: clinical testing. Allele origin: germline.
Comment: This variant, c.1750_1758dup, results in the insertion of 3 amino acid(s) of the SH2B1 protein (p.Glu584_Gln586dup), but otherwise preserves the integrity of the reading frame. This variant is not present in population databases (gnomAD no frequency). This variant has not been reported in the literature in individuals affected with SH2B1-related conditions. Experimental studies and prediction algorithms are not available or were not evaluated, and the functional significance of this variant is currently unknown. In summary, the available evidence is currently insufficient to determine the role of this variant in disease. Therefore, it has been classified as a Variant of Uncertain Significance.

NM_001387430.1(SH2B1):c.1750_1758dup (p.Gln586_Cys587insGluGlyGln)

Gene: SH2B1 (SH2B adaptor protein 1; plus strand). Cytogenetic location: 16p11.2.
Variant type: Duplication.
Coding change: c.1750_1758dup on transcript NM_001387430.1 (MANE Select); coding-DNA positions 1750 to 1758, 9 bases duplicated (GAGGGTCAG; older notation c.1750_1758dupGAGGGTCAG).
Protein change: p.Gln586_Cys587insGluGlyGln.
Molecular consequence: inframe insertion.
Genome position (GRCh38, 1-based): chr16:28,872,558-28,872,566, GAGGGTCAG duplicated; duplicating any 9 consecutive bases within chr16:28,872,556-28,872,566 gives the same sequence; the c. name uses the placement nearest the transcript's 3' end. VCF-style (leftmost placement, unchanged base first): chr16-28872555-G-GAGGAGGGTC. GRCh37 (hg19) VCF-style: chr16-28883876-G-GAGGAGGGTC.
Other names: c.1750_1758dup, p.Gln586_Cys587insGluGlyGln (NM_001145795.2, NM_001145796.2, NM_001145797.2 and 4 more transcripts); c.742_750dup, p.Gln250_Cys251insGluGlyGln (NM_001308294.2).
Identifiers: ClinVar variation 4723497 (VCV004723497.1).